The following is an entry in ClinVar:

NM_024757.5(EHMT1):c.70G>A (p.Glu24Lys)

Gene: EHMT1 (euchromatic histone lysine methyltransferase 1; plus strand). Cytogenetic location: 9q34.3.
Variant type: single nucleotide variant.
Coding change: c.70G>A on transcript NM_024757.5 (MANE Select); coding-DNA position 70, G replaced by A.
Protein change: p.Glu24Lys; replaces glutamic acid 24 with lysine.
Molecular consequence: missense variant. On other transcripts: intron variant (2).
Genome position (GRCh38, 1-based): chr9:137,711,015, G>A. VCF-style: chr9-137711015-G-A. GRCh37 (hg19) VCF-style: chr9-140605467-G-A.
Other names: c.70G>A, p.Glu24Lys (NM_001145527.2, NM_001354263.2, NM_001354611.2); c.-8-5611G>A (NM_001354259.2, NM_001354612.2); short protein forms E24K.
Identifiers: ClinVar variation 195380 (VCV000195380.31), dbSNP rs373269573, ClinGen allele CA241803.

ClinVar aggregate classification (germline): Conflicting classifications of pathogenicity. Review status: criteria provided, conflicting classifications (1 of 4 stars). 8 submissions from 8 submitters: Uncertain significance (2); Benign (2); Likely benign (3). 1 of the submissions does not count toward it. Last evaluated 2025-12-17.

Conditions:
EHMT1-related disorder. Also called: EHMT1-related condition.
Inborn genetic diseases. Identifiers: MedGen C0950123, MeSH D030342.
Kleefstra syndrome 1 (KLEFS1). Identifiers: Orphanet 261494, MedGen C0795833, MONDO:0027407, OMIM 610253.

Allele frequency attached by ClinVar (database versions not stated): gnomAD 0.00009; TOPMed 0.00009; gnomAD exomes 0.00016 and 0.00025; ESP Exome Variant Server 0.00019; ExAC 0.00030.

Submissions (8):

Labcorp Genetics (formerly Invitae), Labcorp
Classification: Benign for Kleefstra syndrome 1. Last evaluated: 2025-12-17. Review status: criteria provided, single submitter. Criteria: Invitae Variant Classification Sherloc (09022015). Collection method: clinical testing. Allele origin: germline.

Blueprint Genetics
Classification: Likely benign. Last evaluated: 2024-01-15. Review status: criteria provided, single submitter. Criteria: ACMG Guidelines, 2015. Collection method: clinical testing. Allele origin: germline.

GeneDx
Classification: Likely benign. Last evaluated: 2021-08-03. Review status: criteria provided, single submitter. Criteria: GeneDx Variant Classification Process June 2021. Collection method: clinical testing. Allele origin: germline. Affected: yes.

Revvity Omics, Revvity
Classification: Uncertain significance for Kleefstra syndrome 1. Last evaluated: 2019-10-24. Review status: criteria provided, single submitter. Criteria: ACMG Guidelines, 2015. Collection method: clinical testing. Allele origin: germline.

Ambry Genetics
Classification: Benign for Inborn genetic diseases. Last evaluated: 2019-10-14. Review status: criteria provided, single submitter. Criteria: Ambry Variant Classification Scheme 2023. Collection method: clinical testing. Allele origin: germline.

Genetic Services Laboratory, University of Chicago
Classification: Likely benign. Last evaluated: 2016-04-07. Review status: criteria provided, single submitter. Criteria: ACMG Guidelines, 2015. Collection method: clinical testing. Allele origin: germline. Affected: no.

Eurofins Ntd Llc (ga)
Classification: Uncertain significance. Last evaluated: 2014-06-12. Review status: criteria provided, single submitter. Criteria: EGL Classification Definitions 2015. Collection method: clinical testing. Allele origin: germline. Observed: 1 variant allele, 1 heterozygote.

PreventionGenetics, part of Exact Sciences
Classification: Likely benign for EHMT1-related condition. Last evaluated: 2022-01-26. Review status: no assertion criteria provided. Collection method: clinical testing. Allele origin: germline. Not counted in ClinVar's aggregate classification.
Comment: This variant is classified as likely benign based on ACMG/AMP sequence variant interpretation guidelines (Richards et al. 2015 PMID: 25741868, with internal and published modifications).